The following is an entry in ClinVar:

ClinVar aggregate classification (germline): Benign/Likely benign. Review status: criteria provided, multiple submitters, no conflicts (2 of 4 stars). 3 submissions from 3 submitters: Benign (1); Likely benign (2). Last evaluated 2018-01-13.

Conditions:
Congenital myasthenic syndrome (CMS). Also called: Congenital Myasthenic Syndromes. Identifiers: Orphanet 590, MedGen C0751882, MeSH D020294, MONDO:0018940.

Allele frequency attached by ClinVar (database versions not stated): gnomAD exomes 0.00517 and 0.01060; ExAC 0.01554; gnomAD 0.03285 and 0.03523; ESP Exome Variant Server 0.03587; 1000 Genomes Project 0.03614; TOPMed 0.03735; 1000 Genomes Project 30x 0.03951.
gnomAD v4.1: 12,862 of 1,595,984 alleles (0.81%); highest among the groups gnomAD compares: African/African-American, 11%; 458 homozygotes.

Submissions (3):

Illumina Laboratory Services, Illumina
Classification: Benign for Congenital myasthenic syndrome. Last evaluated: 2018-01-13. Review status: criteria provided, single submitter. Criteria: ICSL Variant Classification Criteria 13 December 2019. Collection method: clinical testing. Allele origin: germline.
Comment: This variant was observed in the ICSL laboratory as part of a predisposition screen in an ostensibly healthy population. It had not been previously curated by ICSL or reported in the Human Gene Mutation Database (HGMD: prior to June 1st, 2018), and was therefore a candidate for classification through an automated scoring system. Utilizing variant allele frequency, disease prevalence and penetrance estimates, and inheritance mode, an automated score was calculated to assess if this variant is too frequent to cause the disease. Based on the score and internal cut-off values, a variant classified as benign is not then subjected to further curation. The score for this variant resulted in a classification of benign for this disease.

Breakthrough Genomics
Classification: Likely benign. Review status: criteria provided, single submitter. Criteria: ACMG Guidelines, 2015. Collection method: not provided. Allele origin: germline. Inheritance: Autosomal recessive inheritance. Affected: yes.

PreventionGenetics, part of Exact Sciences
Classification: Likely benign. Review status: criteria provided, single submitter. Criteria: ACMG Guidelines, 2015. Collection method: clinical testing. Allele origin: germline.

NM_000080.4(CHRNE):c.*37G>A

Gene: CHRNE (cholinergic receptor nicotinic epsilon subunit; minus strand). Cytogenetic location: 17p13.2.
Variant type: single nucleotide variant.
Coding change: c.*37G>A on transcript NM_000080.4 (MANE Select); 37 bases downstream of the stop codon, G replaced by A.
Molecular consequence: 3 prime UTR variant.
Genome position (GRCh38, 1-based): chr17:4,898,699, C>T on the plus strand (G>A on the coding strand, the complement: CHRNE is on the minus strand). VCF-style: chr17-4898699-C-T. GRCh37 (hg19) VCF-style: chr17-4801994-C-T.
Other names: c.*37G>A (LRG_1254t1).
Identifiers: ClinVar variation 254884 (VCV000254884.7), dbSNP rs2229199, ClinGen allele CA8313788.
Genomic context (GRCh38, chr17:4,898,699, plus strand): 5'-GCAGGGGGAAGGGATCATAATGCCGTGGTGGCGGCAGCCTACTTTTTCAAAATCAATTTC[C>T]TACTGGAGATGGGTGGGAAATTGAAGTCGGTGCGAGCTAAGGCTGGATACACGGCGCGTA-3'